The following is an entry in ClinVar:

NM_080732.4(EGLN2):c.233A>T (p.Asp78Val)

Genes: EGLN2 (egl-9 family hypoxia inducible factor 2; plus strand), RAB4B-EGLN2 (RAB4B-EGLN2 readthrough (NMD candidate); plus strand). Cytogenetic location: 19q13.2.
Variant type: single nucleotide variant.
Coding change: c.233A>T on transcript NM_080732.4 (MANE Select); coding-DNA position 233, A replaced by T.
Protein change: p.Asp78Val; replaces aspartic acid 78 with valine.
Molecular consequence: missense variant. On other transcripts: non-coding transcript variant (1).
Genome position (GRCh38, 1-based): chr19:40,800,805, A>T. VCF-style: chr19-40800805-A-T. GRCh37 (hg19) VCF-style: chr19-41306710-A-T.
Other names: c.233A>T, p.Asp78Val (NM_053046.4); short protein forms D78V.
Identifiers: ClinVar variation 3228990 (VCV003228990.1), dbSNP rs2515993255, ClinGen allele CA405954828.

ClinVar aggregate classification (germline): Uncertain significance (1 of 4 stars; one submission).

Submission:

Ambry Genetics
Classification: Uncertain significance. Last evaluated: 2023-12-14. Review status: criteria provided, single submitter. Criteria: Ambry Variant Classification Scheme 2023. Collection method: clinical testing. Allele origin: germline.
Comment: The p.D78V variant (also known as c.233A>T), located in coding exon 1 of the EGLN2 gene, results from an A to T substitution at nucleotide position 233. The aspartic acid at codon 78 is replaced by valine, an amino acid with highly dissimilar properties. This amino acid position is conserved. In addition, this alteration is predicted to be tolerated by in silico analysis. Since supporting evidence is limited at this time, the clinical significance of this alteration remains unclear.